The following is an entry in ClinVar:

ClinVar aggregate classification (germline): Uncertain significance. Review status: criteria provided, multiple submitters, no conflicts (2 of 4 stars). 2 submissions from 2 submitters: Uncertain significance (2). Last evaluated 2023-04-24.

Conditions:
KBG syndrome (KBGS). Also called: ANKRD11-Related KBG Syndrome. Identifiers: Orphanet 2332, MedGen C0220687, MONDO:0007846, OMIM 148050.

gnomAD v4.1: 1 of 1,613,624 alleles (0.000062%); highest among the groups gnomAD compares: Non-Finnish European, 0.000085%; no homozygotes.

Submissions (2):

GeneDx
Classification: Uncertain significance. Last evaluated: 2023-04-24. Review status: criteria provided, single submitter. Criteria: GeneDx Variant Classification Process June 2021. Collection method: clinical testing. Allele origin: germline. Affected: yes.
Comment: Not observed at significant frequency in large population cohorts (gnomAD); In silico analysis supports that this missense variant does not alter protein structure/function; Has not been previously published as pathogenic or benign to our knowledge

Labcorp Genetics (formerly Invitae), Labcorp
Classification: Uncertain significance for KBG syndrome. Last evaluated: 2023-02-01. Review status: criteria provided, single submitter. Criteria: Invitae Variant Classification Sherloc (09022015). Collection method: clinical testing. Allele origin: germline.
Comment: In summary, the available evidence is currently insufficient to determine the role of this variant in disease. Therefore, it has been classified as a Variant of Uncertain Significance. Advanced modeling of protein sequence and biophysical properties (such as structural, functional, and spatial information, amino acid conservation, physicochemical variation, residue mobility, and thermodynamic stability) performed at Invitae indicates that this missense variant is not expected to disrupt ANKRD11 protein function. This variant has not been reported in the literature in individuals affected with ANKRD11-related conditions. This variant is not present in population databases (gnomAD no frequency). This sequence change replaces glycine, which is neutral and non-polar, with aspartic acid, which is acidic and polar, at codon 583 of the ANKRD11 protein (p.Gly583Asp).

NM_013275.6(ANKRD11):c.1748G>A (p.Gly583Asp)

Gene: ANKRD11 (ankyrin repeat domain 11; minus strand). Cytogenetic location: 16q24.3.
Variant type: single nucleotide variant.
Coding change: c.1748G>A on transcript NM_013275.6 (MANE Select); coding-DNA position 1748, G replaced by A.
Protein change: p.Gly583Asp; replaces glycine 583 with aspartic acid.
Molecular consequence: missense variant.
Genome position (GRCh38, 1-based): chr16:89,284,794, C>T on the plus strand (G>A on the coding strand, the complement: ANKRD11 is on the minus strand). VCF-style: chr16-89284794-C-T. GRCh37 (hg19) VCF-style: chr16-89351202-C-T.
Other names: c.1748G>A, p.Gly583Asp (NM_001256182.2, NM_001256183.2); short protein forms G583D.
Identifiers: ClinVar variation 2663652 (VCV002663652.4), dbSNP rs773648685, ClinGen allele CA397164095.